The following is an entry in ClinVar:

ClinVar aggregate classification (germline): Uncertain significance. Review status: criteria provided, multiple submitters, no conflicts (2 of 4 stars). 2 submissions from 2 submitters: Uncertain significance (2). Last evaluated 2026-07-22.

Conditions:
Bardet-Biedl syndrome 8 (BBS8). Identifiers: Orphanet 110, MedGen C1859566, MONDO:0014436, OMIM 615985.
Retinitis pigmentosa 51 (RP51). Identifiers: Orphanet 791, MedGen C3150715, MONDO:0013274, OMIM 613464.
TTC8-related disorder. Also called: TTC8-related condition.

Submissions (2):

PreventionGenetics, part of Exact Sciences
Classification: Uncertain significance for TTC8-related condition. Last evaluated: 2026-07-22. Review status: criteria provided, single submitter. Criteria: ACMG Guidelines, 2015. Collection method: clinical testing. Allele origin: germline.
Comment: The TTC8 c.44T>C variant is predicted to result in the amino acid substitution p.Phe15Ser. To our knowledge, this variant has not been reported in the literature or in a large population database (gnomAD), indicating this variant is rare. At this time, the clinical significance of this variant is uncertain due to the absence of conclusive functional and genetic evidence.

Fulgent Genetics
Classification: Uncertain significance for Retinitis pigmentosa 51; Bardet-Biedl syndrome 8. Last evaluated: 2024-03-25. Review status: criteria provided, single submitter. Criteria: ACMG Guidelines, 2015. Collection method: clinical testing. Allele origin: germline.

NM_144596.4(TTC8):c.44T>C (p.Phe15Ser)

Gene: TTC8 (tetratricopeptide repeat domain 8; plus strand). Cytogenetic location: 14q31.3.
Variant type: single nucleotide variant.
Coding change: c.44T>C on transcript NM_144596.4 (MANE Select); coding-DNA position 44, T replaced by C.
Protein change: p.Phe15Ser; replaces phenylalanine 15 with serine.
Molecular consequence: missense variant. On other transcripts: 5 prime UTR variant (2), non-coding transcript variant (1).
Genome position (GRCh38, 1-based): chr14:88,824,751, T>C. VCF-style: chr14-88824751-T-C. GRCh37 (hg19) VCF-style: chr14-89291095-T-C.
Other names: c.44T>C, p.Phe15Ser (NM_001288781.1, NM_001366535.2, NM_001366536.2 and 2 more transcripts); c.-519T>C (NM_001288782.1); c.-614T>C (NM_001288783.1); c.44T>C (NM_144596.3); short protein forms F15S.
Identifiers: ClinVar variation 3576851 (VCV003576851.2).